The following is an entry in ClinVar:

NM_018136.5(ASPM):c.4326A>C (p.Gln1442His)

Gene: ASPM (assembly factor for spindle microtubules; minus strand). Cytogenetic location: 1q31.3.
Variant type: single nucleotide variant.
Coding change: c.4326A>C on transcript NM_018136.5 (MANE Select); coding-DNA position 4326, A replaced by C.
Protein change: p.Gln1442His; replaces glutamine 1442 with histidine.
Molecular consequence: missense variant. On other transcripts: intron variant (1).
Genome position (GRCh38, 1-based): chr1:197,104,925, T>G on the plus strand (A>C on the coding strand, the complement: ASPM is on the minus strand). VCF-style: chr1-197104925-T-G. GRCh37 (hg19) VCF-style: chr1-197074055-T-G.
Other names: c.4066-8761A>C (NM_001206846.2); short protein forms Q1442H.
Identifiers: ClinVar variation 1522433 (VCV001522433.6), dbSNP rs753834923, ClinGen allele CA1309951.

ClinVar aggregate classification (germline): Uncertain significance (1 of 4 stars; one submission).

Allele frequency attached by ClinVar (database versions not stated): gnomAD exomes below 0.00001; ExAC 0.00001.
gnomAD v4.1: 2 of 1,612,270 alleles (0.00012%); highest among the groups gnomAD compares: Non-Finnish European, 0.00017%; no homozygotes.

Submission:

Labcorp Genetics (formerly Invitae), Labcorp
Classification: Uncertain significance. Last evaluated: 2025-10-22. Review status: criteria provided, single submitter. Criteria: Invitae Variant Classification Sherloc (09022015). Collection method: clinical testing. Allele origin: germline.
Comment: This sequence change replaces glutamine, which is neutral and polar, with histidine, which is basic and polar, at codon 1442 of the ASPM protein (p.Gln1442His). This variant is not present in population databases (gnomAD no frequency). This variant has not been reported in the literature in individuals affected with ASPM-related conditions. ClinVar contains an entry for this variant (Variation ID: 1522433). Invitae Evidence Modeling of protein sequence and biophysical properties (such as structural, functional, and spatial information, amino acid conservation, physicochemical variation, residue mobility, and thermodynamic stability) indicates that this missense variant is not expected to disrupt ASPM protein function with a negative predictive value of 80%. In summary, the available evidence is currently insufficient to determine the role of this variant in disease. Therefore, it has been classified as a Variant of Uncertain Significance.